The following is an entry in ClinVar:

NM_139027.6(ADAMTS13):c.3107C>T (p.Ser1036Leu)

Gene: ADAMTS13 (ADAM metallopeptidase with thrombospondin type 1 motif 13; plus strand). Cytogenetic location: 9q34.2.
Variant type: single nucleotide variant.
Coding change: c.3107C>T on transcript NM_139027.6 (MANE Select); coding-DNA position 3107, C replaced by T.
Protein change: p.Ser1036Leu; replaces serine 1036 with leucine.
Molecular consequence: missense variant. On other transcripts: non-coding transcript variant (1).
Genome position (GRCh38, 1-based): chr9:133,454,477, C>T. VCF-style: chr9-133454477-C-T. GRCh37 (hg19) VCF-style: chr9-136319599-C-T.
Other names: c.3107C>T, p.Ser1036Leu (NM_139025.5); c.3014C>T, p.Ser1005Leu (NM_139026.6); short protein forms S1005L, S1036L.
Identifiers: ClinVar variation 2187648 (VCV002187648.3), dbSNP rs142607772, ClinGen allele CA200943115.
Genomic context (GRCh38, chr9:133,454,477, plus strand): 5'-GGAAAGTCATGTCCCTTGGCCCATGTTCGGCCAGCTGTGGCCTTGGCACTGCTAGACGCT[C>T]GGTGGCCTGTGTGCAGCTCGACCAAGGCCAGGACGTGGAGGTGGACGAGGCGGCCTGTGC-3'
Protein context (NP_620596.2, residues 1026-1046): ASCGLGTARR[Ser1036Leu]VACVQLDQGQ

ClinVar aggregate classification (germline): Uncertain significance. Review status: criteria provided, multiple submitters, no conflicts (2 of 4 stars). 2 submissions from 2 submitters: Uncertain significance (2). Last evaluated 2025-06-12.

Allele frequency attached by ClinVar (database versions not stated): gnomAD exomes 0.00004; ExAC 0.00005; gnomAD 0.00005; ESP Exome Variant Server 0.00008; TOPMed 0.00008.
gnomAD v4.1: 61 of 1,613,270 alleles (0.0038%); highest among the groups gnomAD compares: African/African-American, 0.016%; 1 homozygote.

Submissions (2):

Labcorp Genetics (formerly Invitae), Labcorp
Classification: Uncertain significance. Last evaluated: 2025-06-12. Review status: criteria provided, single submitter. Criteria: Invitae Variant Classification Sherloc (09022015). Collection method: clinical testing. Allele origin: germline.
Comment: This sequence change replaces serine, which is neutral and polar, with leucine, which is neutral and non-polar, at codon 1036 of the ADAMTS13 protein (p.Ser1036Leu). This variant is present in population databases (rs142607772, gnomAD 0.02%). This variant has not been reported in the literature in individuals affected with ADAMTS13-related conditions. ClinVar contains an entry for this variant (Variation ID: 2187648). An algorithm developed to predict the effect of missense changes on protein structure and function outputs the following: PolyPhen-2: "Benign". The leucine amino acid residue is found in multiple mammalian species, which suggests that this missense change does not adversely affect protein function. In summary, the available evidence is currently insufficient to determine the role of this variant in disease. Therefore, it has been classified as a Variant of Uncertain Significance.

Blueprint Genetics
Classification: Uncertain significance. Last evaluated: 2024-11-27. Review status: criteria provided, single submitter. Criteria: ACMG Guidelines, 2015. Collection method: clinical testing. Allele origin: germline.